The following is an entry in ClinVar:

NM_152384.3(BBS5):c.-2C>G

Genes: BBS5 (Bardet-Biedl syndrome 5; plus strand), LOC129935068 (ATAC-STARR-seq lymphoblastoid active region 16738; plus strand). Cytogenetic location: 2q31.1.
Variant type: single nucleotide variant.
Coding change: c.-2C>G on transcript NM_152384.3 (MANE Select); 2 bases upstream of the start codon, C replaced by G.
Molecular consequence: 5 prime UTR variant.
Genome position (GRCh38, 1-based): chr2:169,479,552, C>G. VCF-style: chr2-169479552-C-G. GRCh37 (hg19) VCF-style: chr2-170336062-C-G.
Identifiers: ClinVar variation 4990426 (VCV004990426.1).
Genomic context (GRCh38, chr2:169,479,552, plus strand): 5'-CCAGAGAGACGCAGCTAGGCCTGCACGGCTGTGGAGAGATCCTGCCACGGGCCTTGTTCA[C>G]CATGTCGGTGCTGGATGCGCTTTGGGAGGATCGGGATGTCCGTTTCGACCTGTCCGCGCA-3'

ClinVar aggregate classification (germline): Likely benign (1 of 4 stars; one submission).

Conditions:
BBS5-related disorder. Also called: BBS5-related condition.

gnomAD v4.1: 5 of 1,614,174 alleles (0.00031%); highest among the groups gnomAD compares: Non-Finnish European, 0.00042%; no homozygotes.

Submission:

PreventionGenetics, part of Exact Sciences
Classification: Likely benign for BBS5-related condition. Last evaluated: 2025-07-22. Review status: criteria provided, single submitter. Criteria: ACMG Guidelines, 2015. Collection method: clinical testing. Allele origin: germline.
Comment: This variant is classified as likely benign based on ACMG/AMP sequence variant interpretation guidelines (Richards et al. 2015 PMID: 25741868, with internal and published modifications).